The following is an entry in ClinVar:

ClinVar aggregate classification (germline): Likely benign (1 of 4 stars; one submission).

Submission:

CeGaT Center for Human Genetics Tuebingen
Classification: Likely benign. Last evaluated: 2026-09-01. Review status: criteria provided, single submitter. Criteria: CeGaT Center For Human Genetics Tuebingen Variant Classification Criteria Version 2. Collection method: clinical testing. Allele origin: germline. Affected: yes. Observed: 2 variant alleles.
Comment: ATP7B: PM2:Supporting, BP4, BP7

NM_000053.4(ATP7B):c.1044C>A (p.Ser348=)

Gene: ATP7B (ATPase copper transporting beta; minus strand). Cytogenetic location: 13q14.3.
Variant type: single nucleotide variant.
Coding change: c.1044C>A on transcript NM_000053.4 (MANE Select); coding-DNA position 1044, C replaced by A.
Protein change: p.Ser348=; no amino-acid change (serine 348 retained).
Molecular consequence: synonymous variant. On other transcripts: intron variant (2).
Genome position (GRCh38, 1-based): chr13:51,974,176, G>T on the plus strand (C>A on the coding strand, the complement: ATP7B is on the minus strand). VCF-style: chr13-51974176-G-T. GRCh37 (hg19) VCF-style: chr13-52548312-G-T.
Other names: c.1044C>A, p.Ser348= (NM_001005918.3, NM_001330578.2, NM_001330579.2 and 29 more transcripts); c.948C>A, p.Ser316= (NM_001406517.1, NM_001406518.1, NM_001406530.1 and 3 more transcripts); c.803-92C>A (NM_001243182.2); c.707-92C>A (NM_001406539.1).
Identifiers: ClinVar variation 4874324 (VCV004874324.2).